The following is an entry in ClinVar:

ClinVar aggregate classification (germline): Uncertain significance. Review status: criteria provided, multiple submitters, no conflicts (2 of 4 stars). 2 submissions from 2 submitters: Uncertain significance (2). Last evaluated 2024-08-19.

Conditions:
Retinal dystrophy. Also called: Inherited retinal dystrophy. Identifiers: Orphanet 71862, MedGen C0854723, MeSH D058499, MONDO:0019118, HP:0000556.

gnomAD v4.1: 3 of 1,614,226 alleles (0.00019%); highest among the groups gnomAD compares: East Asian, 0.0067%; no homozygotes.

Submissions (2):

Labcorp Genetics (formerly Invitae), Labcorp
Classification: Uncertain significance. Last evaluated: 2024-08-19. Review status: criteria provided, single submitter. Criteria: Invitae Variant Classification Sherloc (09022015). Collection method: clinical testing. Allele origin: germline.
Comment: This sequence change replaces alanine, which is neutral and non-polar, with threonine, which is neutral and polar, at codon 728 of the SEMA4A protein (p.Ala728Thr). This variant is not present in population databases (gnomAD no frequency). This variant has not been reported in the literature in individuals affected with SEMA4A-related conditions. ClinVar contains an entry for this variant (Variation ID: 1502710). An algorithm developed to predict the effect of missense changes on protein structure and function (PolyPhen-2) suggests that this variant is likely to be tolerated. In summary, the available evidence is currently insufficient to determine the role of this variant in disease. Therefore, it has been classified as a Variant of Uncertain Significance.

Dept Of Ophthalmology, Nagoya University
Classification: Uncertain significance for Retinal dystrophy. Last evaluated: 2023-10-01. Review status: criteria provided, single submitter. Criteria: Submitter's publication. Collection method: research. Allele origin: germline. Affected: yes.

NM_022367.4(SEMA4A):c.2182G>A (p.Ala728Thr)

Gene: SEMA4A (semaphorin 4A; plus strand). Cytogenetic location: 1q22.
Variant type: single nucleotide variant.
Coding change: c.2182G>A on transcript NM_022367.4 (MANE Select); coding-DNA position 2182, G replaced by A.
Protein change: p.Ala728Thr; replaces alanine 728 with threonine.
Molecular consequence: missense variant.
Genome position (GRCh38, 1-based): chr1:156,176,893, G>A. VCF-style: chr1-156176893-G-A. GRCh37 (hg19) VCF-style: chr1-156146684-G-A.
Other names: c.2182G>A, p.Ala728Thr (NM_001193300.2, NM_001193301.2, NM_001370567.1); c.1786G>A, p.Ala596Thr (NM_001193302.2); c.1885G>A, p.Ala629Thr (NM_001370568.1); c.1675G>A, p.Ala559Thr (NM_001370569.1, NM_001370571.1); short protein forms A596T, A728T, A629T, A559T.
Identifiers: ClinVar variation 1502710 (VCV001502710.9), dbSNP rs1655399336, ClinGen allele CA342813806.